The following is an entry in ClinVar:

ClinVar aggregate classification (germline): Likely pathogenic. Review status: criteria provided, multiple submitters, no conflicts (2 of 4 stars). 2 submissions from 2 submitters: Likely pathogenic (2). Last evaluated 2018-06-27.

Conditions:
Hereditary cancer-predisposing syndrome. Also called: Tumor predisposition; Neoplastic Syndromes, Hereditary; Hereditary neoplastic syndrome; Hereditary Cancer Syndrome. Identifiers: Orphanet 140162, MedGen C0027672, MeSH D009386, MONDO:0015356.

Submissions (2):

Ambry Genetics
Classification: Likely pathogenic for Hereditary cancer-predisposing syndrome. Last evaluated: 2018-06-27. Review status: criteria provided, single submitter. Criteria: Ambry Variant Classification Scheme 2023. Collection method: clinical testing. Allele origin: germline.
Comment: The c.1421G>T variant (also known as p.S474I), located in coding exon 15 of the RB1 gene, results from a G to T substitution at nucleotide position 1421. The amino acid change results in serine to isoleucine at codon 474, an amino acid with dissimilar properties. However, this change occurs in the last base pair of coding exon 15, which makes it likely to have some effect on normal mRNA splicing. This alteration has been detected in both the blood and tumor of an individual diagnosed with retinoblastoma (Bond WS et al. PLoS ONE, 2013 Jun;8:e63519). A similar alteration affecting this same nucleotide, c.1421G>A, has been identified in an individual with retinoblastoma and was shown to cause aberrant RNA splicing leading to the skipping of exon 15 of the RB1 gene (Zhang K et al. Hum. Mutat., 2008 Apr;29:475-84). This nucleotide and amino acid position are highly conserved in available vertebrate species. Using the BDGP and ESEfinder splice site prediction tools, c.1421G>T is predicted to weaken the efficiency of the native splice donor site; however, direct evidence is unavailable. In addition, this alteration is predicted to be deleterious by in silico analysis. Based on the majority of available evidence to date, this variant is likely to be pathogenic.

Women's Health and Genetics/Laboratory Corporation of America, LabCorp
Classification: Likely pathogenic for Hereditary cancer-predisposing syndrome. Last evaluated: 2017-01-24. Review status: criteria provided, single submitter. Criteria: LabCorp Variant Classification Summary - May 2015. Collection method: clinical testing. Allele origin: germline.
Comment: Variant summary: The RB1 c.1421G>T (p.Ser474Ile) variant involves the alteration of a highly conserved nucleotide and is predicted to be damaging by 5/5 in silico tools. This variant is present at the last nucleotide of exon 15 and is predicted to abrogate or attenuate the splice donor-site by 4/5 splice prediction tools (corroborates ACMG PP3 rule). This variant is located in the Retinoblastoma associated protein, A-box (InterPro). Another nucleotide change at the same cDNA position, c.1421G>A is a pathogenic variant that leads to altered splicing (skipping of exon 15) (see LOVD and PMID: 18181215). Therefore, it is likely that this variant also causes skipping of exon 15. This variant is absent in 24618 control chromosomes from ExAC. The variant of interest has not, to our knowledge, been reported in affected individuals via publications. This variant has been reported as a germline variant in one retinoblastoma patient (unpublished finding in LOVD) and as somatic variant in one pancreatic carcinoma patient (unpublished patient in COSMIC). Taken together, this variant is considered as meeting ACMG criteria of Likely Pathogenic (meets PM1, PM2, PM5 and PP3 rules) and hence classified as likely pathogenic.

Literature cited by the submitters: PubMed 18181215 (cited by Ambry Genetics); PubMed 23826078 (cited by Ambry Genetics).

NM_000321.3(RB1):c.1421G>T (p.Ser474Ile)

Gene: RB1 (RB transcriptional corepressor 1; plus strand). Cytogenetic location: 13q14.2.
Variant type: single nucleotide variant.
Coding change: c.1421G>T on transcript NM_000321.3 (MANE Select); coding-DNA position 1421, G replaced by T.
Protein change: p.Ser474Ile; replaces serine 474 with isoleucine.
Molecular consequence: missense variant.
Genome position (GRCh38, 1-based): chr13:48,380,084, G>T. VCF-style: chr13-48380084-G-T. GRCh37 (hg19) VCF-style: chr13-48954220-G-T.
Other names: short protein forms S474I.
Identifiers: ClinVar variation 495820 (VCV000495820.5), dbSNP rs1555286575, ClinGen allele CA388162742.